The following is an entry in ClinVar:

NM_000257.4(MYH7):c.1788G>A (p.Lys596=)

Gene: MYH7 (myosin heavy chain 7; minus strand). Cytogenetic location: 14q11.2.
Variant type: single nucleotide variant.
Coding change: c.1788G>A on transcript NM_000257.4 (MANE Select); coding-DNA position 1788, G replaced by A.
Protein change: p.Lys596=; no amino-acid change (lysine 596 retained).
Molecular consequence: synonymous variant.
Genome position (GRCh38, 1-based): chr14:23,427,685, C>T on the plus strand (G>A on the coding strand, the complement: MYH7 is on the minus strand). VCF-style: chr14-23427685-C-T. GRCh37 (hg19) VCF-style: chr14-23896894-C-T.
Other names: K596K.
Identifiers: ClinVar variation 132924 (VCV000132924.10), dbSNP rs606231325, ClinGen allele CA011247.
Genomic context (GRCh38, chr14:23,427,685, plus strand): 5'-CAGCTTGAGGGAAGACTTCTGATACAAGCCCACGACAGTCTCATTGAGAGGATCCTTGTT[C>T]TTCTGCAGCCAGCCAATGATGTTGTAGTCCACGATGCCGGCATAGTGGATCAGGGAGAAG-3'
Protein context (NP_000248.2, residues 586-606): VDYNIIGWLQ[Lys596=]NKDPLNETVV

ClinVar aggregate classification (germline): Likely benign. Review status: criteria provided, single submitter (1 of 4 stars). 2 submissions from 2 submitters: Likely benign (1). 1 of the submissions does not count toward it. Last evaluated 2019-10-24.

Conditions:
Familial cardiomyopathy. Identifiers: MedGen C0264789, MONDO:0005217.
Hypertrophic cardiomyopathy. Also called: HYPERTROPHIC MYOCARDIOPATHY. Identifiers: Orphanet 217569, MedGen C0007194, MeSH D002312, MONDO:0005045, HP:0001639.

Submissions (2):

Labcorp Genetics (formerly Invitae), Labcorp
Classification: Likely benign for Hypertrophic cardiomyopathy. Last evaluated: 2019-10-24. Review status: criteria provided, single submitter. Criteria: Invitae Variant Classification Sherloc (09022015). Collection method: clinical testing. Allele origin: germline.

Evolutionary and Medical Genetics Laboratory,  Centre for Cellular and Molecular Biology
Classification: Uncertain significance. Review status: no assertion criteria provided. Collection method: not provided. Allele origin: unknown. Not counted in ClinVar's aggregate classification.
Comment: Synonymous
ClinVar note: Converted during submission from unknown to Uncertain significance.